The following is an entry in ClinVar:

ClinVar aggregate classification (germline): Conflicting classifications of pathogenicity. Review status: criteria provided, conflicting classifications (1 of 4 stars). 9 submissions from 9 submitters: Uncertain significance (8); Likely benign (1). Last evaluated 2025-01-26.

Conditions:
BRIP1-related disorder. Also called: BRIP1-related condition; BRIP1-related disorders. Identifiers: MedGen CN239206.
Hereditary cancer-predisposing syndrome. Also called: Neoplastic Syndromes, Hereditary; Tumor predisposition; Hereditary Cancer Syndrome; Hereditary neoplastic syndrome. Identifiers: Orphanet 140162, MedGen C0027672, MeSH D009386, MONDO:0015356.
Fanconi anemia complementation group J. Also called: BRIP1-Related Fanconi Anemia. Identifiers: Orphanet 84, MedGen C1836860, MONDO:0012187, OMIM 609054.
Familial cancer of breast. Also called: hereditary breast carcinoma; BREAST CANCER, FAMILIAL; Hereditary breast cancer. Identifiers: Orphanet 227535, MedGen C0346153, MONDO:0016419, OMIM 114480. Disease mechanism: loss of function.

Allele frequency attached by ClinVar (database versions not stated): TOPMed below 0.00001; gnomAD 0.00001 and 0.00003; gnomAD exomes 0.00003 and 0.00005; ExAC 0.00004.
gnomAD v4.1: 53 of 1,613,916 alleles (0.0033%); highest among the groups gnomAD compares: South Asian, 0.047%; 1 homozygote.

Submissions (9):

Labcorp Genetics (formerly Invitae), Labcorp
Classification: Uncertain significance for Familial cancer of breast; Fanconi anemia complementation group J. Last evaluated: 2025-01-26. Review status: criteria provided, single submitter. Criteria: Invitae Variant Classification Sherloc (09022015). Collection method: clinical testing. Allele origin: germline.
Comment: This sequence change replaces phenylalanine, which is neutral and non-polar, with serine, which is neutral and polar, at codon 934 of the BRIP1 protein (p.Phe934Ser). This variant is present in population databases (rs778916092, gnomAD 0.04%). This variant has not been reported in the literature in individuals affected with BRIP1-related conditions. ClinVar contains an entry for this variant (Variation ID: 219645). Invitae Evidence Modeling of protein sequence and biophysical properties (such as structural, functional, and spatial information, amino acid conservation, physicochemical variation, residue mobility, and thermodynamic stability) indicates that this missense variant is not expected to disrupt BRIP1 protein function with a negative predictive value of 95%. In summary, the available evidence is currently insufficient to determine the role of this variant in disease. Therefore, it has been classified as a Variant of Uncertain Significance.

PreventionGenetics, part of Exact Sciences
Classification: Uncertain significance for BRIP1-related condition. Last evaluated: 2025-01-26. Review status: criteria provided, single submitter. Criteria: ACMG Guidelines, 2015. Collection method: clinical testing. Allele origin: germline.
Comment: The BRIP1 c.2801T>C variant is predicted to result in the amino acid substitution p.Phe934Ser. To our knowledge, this variant has not been reported in the literature. This variant is reported in 0.036% of alleles in individuals of South Asian descent in gnomAD. This variant has conflicting interpretations regarding its pathogenicity in ClinVar, ranging from likely benign to uncertain. Although we suspect that this variant may be benign, at this time, the clinical significance of this variant is uncertain due to the absence of conclusive functional and genetic evidence.

Color Diagnostics, LLC DBA Color Health
Classification: Uncertain significance for Hereditary cancer-predisposing syndrome. Last evaluated: 2024-03-06. Review status: criteria provided, single submitter. Criteria: ACMG Guidelines, 2015. Collection method: clinical testing. Allele origin: germline.
Comment: This missense variant replaces phenylalanine with serine at codon 934 of the BRIP1 protein. Computational prediction suggests that this variant may not impact protein structure and function (internally defined REVEL score threshold <= 0.5, PMID: 27666373). To our knowledge, functional studies have not been reported for this variant. This variant has not been reported in individuals affected with hereditary cancer in the literature. This variant has been identified in 13/282778 chromosomes in the general population by the Genome Aggregation Database (gnomAD). The available evidence is insufficient to determine the role of this variant in disease conclusively. Therefore, this variant is classified as a Variant of Uncertain Significance.

GeneDx
Classification: Uncertain significance. Last evaluated: 2024-03-05. Review status: criteria provided, single submitter. Criteria: GeneDx Variant Classification Process June 2021. Collection method: clinical testing. Allele origin: germline. Affected: yes.
Comment: In silico analysis supports that this missense variant does not alter protein structure/function; Has not been previously published as pathogenic or benign to our knowledge; This variant is associated with the following publications: (PMID: 27535533, 11301010)

Department of Pathology and Laboratory Medicine, Sinai Health System
Classification: Uncertain significance for Familial cancer of breast. Last evaluated: 2022-06-22. Review status: criteria provided, single submitter. Criteria: ACMG Guidelines, 2015. Collection method: clinical testing. Allele origin: germline. Affected: yes.

Sema4
Classification: Uncertain significance for Hereditary cancer-predisposing syndrome. Last evaluated: 2021-12-29. Review status: criteria provided, single submitter. Criteria: Sema4 Curation Guidelines. Collection method: curation. Allele origin: germline.
Comment: To the best of our knowledge, the BRIP1 c.2801T>C (p.F934S) variant has not been reported in individuals with BRIP1-related disease. This variant was observed in 11/30608 chromosomes in the South Asian subpopulation, according to the Genome Aggregation Database (PMID: 32461654). This variant has been reported in ClinVar (Variation ID: 219645). Functional studies have not been performed, and in silico predictions of the variant's effect on protein function are inconclusive. The evidence is insufficient to meet ACMG/AMP criteria for classifying the variant as benign or pathogenic. Thus, the clinical significance of this variant is currently uncertain.

Women's Health and Genetics/Laboratory Corporation of America, LabCorp
Classification: Uncertain significance. Last evaluated: 2019-11-29. Review status: criteria provided, single submitter. Criteria: LabCorp Variant Classification Summary - May 2015. Collection method: clinical testing. Allele origin: germline.
Comment: Variant summary: BRIP1 c.2801T>C (p.Phe934Ser) results in a non-conservative amino acid change in the encoded protein sequence. Four of five in-silico tools predict a benign effect of the variant on protein function. The variant allele was found at a frequency of 4.8e-05 in 251368 control chromosomes. This frequency is not significantly higher than expected for a pathogenic variant in BRIP1 causing Hereditary Breast and Ovarian Cancer (4.8e-05 vs 6.3e-05), allowing no conclusion about variant significance. To our knowledge, no occurrence of c.2801T>C in individuals affected with Hereditary Breast and Ovarian Cancer and no experimental evidence demonstrating its impact on protein function have been reported. Four clinical diagnostic laboratories have submitted clinical-significance assessments for this variant to ClinVar after 2014 without evidence for independent evaluation. Multiple laboratories reported the variant with conflicting assessments (2x likely benign, 2x VUS). Based on the evidence outlined above, the variant was classified as uncertain significance.

Ambry Genetics
Classification: Likely benign for Hereditary cancer-predisposing syndrome. Last evaluated: 2018-07-17. Review status: criteria provided, single submitter. Criteria: Ambry Variant Classification Scheme 2023. Collection method: clinical testing. Allele origin: germline.

Illumina Laboratory Services, Illumina
Classification: Uncertain significance for Fanconi anemia complementation group J. Last evaluated: 2018-01-12. Review status: criteria provided, single submitter. Criteria: ICSL Variant Classification Criteria 13 December 2019. Collection method: clinical testing. Allele origin: germline.

NM_032043.3(BRIP1):c.2801T>C (p.Phe934Ser)

Gene: BRIP1 (BRCA1 interacting DNA helicase 1; minus strand). Cytogenetic location: 17q23.2.
Variant type: single nucleotide variant.
Coding change: c.2801T>C on transcript NM_032043.3 (MANE Select); coding-DNA position 2801, T replaced by C.
Protein change: p.Phe934Ser; replaces phenylalanine 934 with serine.
Molecular consequence: missense variant.
Genome position (GRCh38, 1-based): chr17:61,685,940, A>G on the plus strand (T>C on the coding strand, the complement: BRIP1 is on the minus strand). VCF-style: chr17-61685940-A-G. GRCh37 (hg19) VCF-style: chr17-59763301-A-G.
Other names: short protein forms F934S.
Identifiers: ClinVar variation 219645 (VCV000219645.28), dbSNP rs778916092, ClinGen allele CA348966.